The following is an entry in ClinVar:

ClinVar aggregate classification (germline): Pathogenic (1 of 4 stars; one submission).

Allele frequency attached by ClinVar (database versions not stated): TOPMed 0.00002.

Submission:

Labcorp Genetics (formerly Invitae), Labcorp
Classification: Pathogenic. Last evaluated: 2023-11-20. Review status: criteria provided, single submitter. Criteria: Invitae Variant Classification Sherloc (09022015). Collection method: clinical testing. Allele origin: germline.
Comment: This sequence change affects a donor splice site in intron 34 of the ADGRV1 gene. It is expected to disrupt RNA splicing. Variants that disrupt the donor or acceptor splice site typically lead to a loss of protein function (PMID: 16199547), and loss-of-function variants in ADGRV1 are known to be pathogenic (PMID: 19357117, 22135276, 22147658, 26226137, 30718709, 31047384, 32467589). This variant is not present in population databases (gnomAD no frequency). Disruption of this splice site has been observed in individual(s) with deafness (Invitae). In at least one individual the data is consistent with being in trans (on the opposite chromosome) from a pathogenic variant. Algorithms developed to predict the effect of sequence changes on RNA splicing suggest that this variant may disrupt the consensus splice site. For these reasons, this variant has been classified as Pathogenic.

Literature cited by the submitters: PubMed 16199547; PubMed 19357117; PubMed 22135276; PubMed 22147658; PubMed 26226137; PubMed 30718709; PubMed 31047384; PubMed 32467589.

NM_032119.4(ADGRV1):c.8155+1G>T

Gene: ADGRV1 (adhesion G protein-coupled receptor V1; plus strand). Cytogenetic location: 5q14.3.
Variant type: single nucleotide variant.
Coding change: c.8155+1G>T on transcript NM_032119.4 (MANE Select); the canonical splice donor site of the intron after coding-DNA position 8155, G replaced by T.
Molecular consequence: splice donor variant.
Genome position (GRCh38, 1-based): chr5:90,697,147, G>T. VCF-style: chr5-90697147-G-T. GRCh37 (hg19) VCF-style: chr5-89992964-G-T.
Identifiers: ClinVar variation 2961960 (VCV002961960.3), dbSNP rs1179484173, ClinGen allele CA360386850.